The following is an entry in ClinVar:

ClinVar aggregate classification (germline): Uncertain significance (1 of 4 stars; one submission).

Conditions:
Neurofibromatosis, type 1 (NF1). Also called: VON RECKLINGHAUSEN DISEASE; NEUROFIBROMATOSIS, TYPE I, SOMATIC; Peripheral type neurofibromatosis; Neurofibromatosis, type I. Identifiers: Orphanet 636, MedGen C0027831, MONDO:0018975, OMIM 162200. Disease mechanism: loss of function.

Submission:

Labcorp Genetics (formerly Invitae), Labcorp
Classification: Uncertain significance for Neurofibromatosis, type 1. Last evaluated: 2020-04-16. Review status: criteria provided, single submitter. Criteria: Invitae Variant Classification Sherloc (09022015). Collection method: clinical testing. Allele origin: germline.
Comment: This sequence change replaces aspartic acid with glutamic acid at codon 564 of the NF1 protein (p.Asp564Glu). The aspartic acid residue is highly conserved and there is a small physicochemical difference between aspartic acid and glutamic acid. This variant is not present in population databases (ExAC no frequency). This variant has not been reported in the literature in individuals with NF1-related disease. Algorithms developed to predict the effect of missense changes on protein structure and function are either unavailable or do not agree on the potential impact of this missense change (SIFT: "Deleterious"; PolyPhen-2: "Benign"; Align-GVGD: "Class C0"). In summary, the available evidence is currently insufficient to determine the role of this variant in disease. Therefore, it has been classified as a Variant of Uncertain Significance.

NM_001042492.3(NF1):c.1692T>G (p.Asp564Glu)

Gene: NF1 (neurofibromin 1; plus strand). Cytogenetic location: 17q11.2.
Variant type: single nucleotide variant.
Coding change: c.1692T>G on transcript NM_001042492.3 (MANE Select); coding-DNA position 1692, T replaced by G.
Protein change: p.Asp564Glu; replaces aspartic acid 564 with glutamic acid.
Molecular consequence: missense variant.
Genome position (GRCh38, 1-based): chr17:31,221,900, T>G. VCF-style: chr17-31221900-T-G. GRCh37 (hg19) VCF-style: chr17-29548918-T-G.
Other names: c.1692T>G, p.Asp564Glu (NM_000267.4, NM_001128147.3); short protein forms D564E.
Identifiers: ClinVar variation 654055 (VCV000654055.5), dbSNP rs1597706718, ClinGen allele CA399002322.
Genomic context (GRCh38, chr17:31,221,900, plus strand): 5'-AAAAATTCAGGCTCTGCTGGTTCTTCATCAGTTAGATAGCATTGATTTGTGGAATCCTGA[T>G]GCTCCTGTAGAAACATTTTGGGAGATTAGGTATATGTACTTTTATTTTTTAAATTCAACT-3'
Protein context (NP_001035957.1, residues 554-574): QLDSIDLWNP[Asp564Glu]APVETFWEIS